The following is an entry in ClinVar:

ClinVar aggregate classification (germline): Benign/Likely benign. Review status: criteria provided, multiple submitters, no conflicts (2 of 4 stars). 2 submissions from 2 submitters: Benign (1); Likely benign (1). Last evaluated 2025-11-03.

gnomAD v4.1: 40 of 1,614,100 alleles (0.0025%); highest among the groups gnomAD compares: Admixed American, 0.035%; no homozygotes.

Submissions (2):

Labcorp Genetics (formerly Invitae), Labcorp
Classification: Benign. Last evaluated: 2025-11-03. Review status: criteria provided, single submitter. Criteria: Invitae Variant Classification Sherloc (09022015). Collection method: clinical testing. Allele origin: germline.

Women's Health and Genetics/Laboratory Corporation of America, LabCorp
Classification: Likely benign. Last evaluated: 2025-04-29. Review status: criteria provided, single submitter. Criteria: LabCorp Variant Classification Summary - May 2015. Collection method: clinical testing. Allele origin: germline.
Comment: Variant summary: NSD1 c.7290G>T (p.Gln2430His) results in a non-conservative amino acid change in the encoded protein sequence. Three of five in-silico tools predict a damaging effect of the variant on protein function. The variant allele was found at a frequency of 7.2e-05 in 251236 control chromosomes. This frequency is not significantly higher than estimated for a pathogenic variant in NSD1 causing Sotos Syndrome, allowing no conclusion about variant significance. To our knowledge, no occurrence of c.7290G>T in individuals affected with Sotos Syndrome and no experimental evidence demonstrating its impact on protein function have been reported. ClinVar contains an entry for this variant (Variation ID: 3714579). Based on the evidence outlined above, the variant was classified as likely benign.

NM_022455.5(NSD1):c.7290G>T (p.Gln2430His)

Gene: NSD1 (nuclear receptor binding SET domain protein 1; plus strand). Cytogenetic location: 5q35.3.
Variant type: single nucleotide variant.
Coding change: c.7290G>T on transcript NM_022455.5 (MANE Select); coding-DNA position 7290, G replaced by T.
Protein change: p.Gln2430His; replaces glutamine 2430 with histidine.
Molecular consequence: missense variant.
Genome position (GRCh38, 1-based): chr5:177,294,658, G>T. VCF-style: chr5-177294658-G-T. GRCh37 (hg19) VCF-style: chr5-176721659-G-T.
Other names: c.6417G>T, p.Gln2139His (NM_001365684.2, NM_001409308.1, NM_172349.5); c.7290G>T, p.Gln2430His (NM_001409301.1, NM_001409302.1, NM_001409303.1); c.6870G>T, p.Gln2290His (NM_001409304.1); c.6537G>T, p.Gln2179His (NM_001409305.1); c.6528G>T, p.Gln2176His (NM_001409306.1, NM_001409307.1); c.6168G>T, p.Gln2056His (NM_001409309.1); short protein forms Q2139H, Q2179H, Q2290H, Q2176H, Q2430H, Q2056H.
Identifiers: ClinVar variation 3714579 (VCV003714579.4).